The following is an entry in ClinVar:

NM_001042492.3(NF1):c.6341_6342del (p.Gly2114fs)

Gene: NF1 (neurofibromin 1; plus strand). Cytogenetic location: 17q11.2.
Variant type: Deletion.
Coding change: c.6341_6342del on transcript NM_001042492.3 (MANE Select); coding-DNA positions 6341 to 6342, 2 bases deleted (GT; older notation c.6341_6342delGT).
Protein change: p.Gly2114fs; shifts the reading frame from glycine 2114.
Molecular consequence: frameshift variant.
Genome position (GRCh38, 1-based): chr17:31,336,828-31,336,829, GT deleted. VCF-style (leftmost placement, unchanged base first): chr17-31336827-GGT-G. GRCh37 (hg19) VCF-style: chr17-29663845-GGT-G.
Other names: c.6278_6279delGT (NM_000267.3); c.6278_6279delGT, p.Gly2093Alafs (NM_000267.4); short protein forms G2114fs, G2093fs.
Identifiers: ClinVar variation 649391 (VCV000649391.5), dbSNP rs1597843052, ClinGen allele CA915949922.

ClinVar aggregate classification (germline): Pathogenic (1 of 4 stars; one submission).

Conditions:
Neurofibromatosis, type 1 (NF1). Also called: VON RECKLINGHAUSEN DISEASE; Neurofibromatosis, type I; NEUROFIBROMATOSIS, TYPE I, SOMATIC; Peripheral type neurofibromatosis. Identifiers: Orphanet 636, MedGen C0027831, MONDO:0018975, OMIM 162200. Disease mechanism: loss of function.

Submission:

Labcorp Genetics (formerly Invitae), Labcorp
Classification: Pathogenic for Neurofibromatosis, type 1. Last evaluated: 2018-11-06. Review status: criteria provided, single submitter. Criteria: Invitae Variant Classification Sherloc (09022015). Collection method: clinical testing. Allele origin: germline.
Comment: For these reasons, this variant has been classified as Pathogenic. Loss-of-function variants in NF1 are known to be pathogenic (PMID: 10712197, 23913538). This variant has not been reported in the literature in individuals with NF1-related disease. This variant is not present in population databases (ExAC no frequency). This sequence change creates a premature translational stop signal (p.Gly2093Alafs*5) in the NF1 gene. It is expected to result in an absent or disrupted protein product.

Literature cited by the submitters: PubMed 10712197; PubMed 23913538.